The following is an entry in ClinVar:

NM_000528.4(MAN2B1):c.910G>A (p.Gly304Ser)

Gene: MAN2B1 (mannosidase alpha class 2B member 1; minus strand). Cytogenetic location: 19p13.13.
Variant type: single nucleotide variant.
Coding change: c.910G>A on transcript NM_000528.4 (MANE Select); coding-DNA position 910, G replaced by A.
Protein change: p.Gly304Ser; replaces glycine 304 with serine.
Molecular consequence: missense variant.
Genome position (GRCh38, 1-based): chr19:12,661,376, C>T on the plus strand (G>A on the coding strand, the complement: MAN2B1 is on the minus strand). VCF-style: chr19-12661376-C-T. GRCh37 (hg19) VCF-style: chr19-12772190-C-T.
Other names: c.910G>A, p.Gly304Ser (NM_001173498.2); short protein forms G304S.
Identifiers: ClinVar variation 950350 (VCV000950350.7), dbSNP rs2024102051, ClinGen allele CA404250878.
Genomic context (GRCh38, chr19:12,661,376, plus strand): 5'-TCTCATATTGGAAGTCCGAGCCCATGGTCATCACAGTGTGGTTGGTGCGGTAATACCGGC[C>T]CTGCAGGCAAGAGGGGAGTCCTGAAGCCAGAGGATCCTGGGCCATCCCTGTGTATAGCTG-3'
Protein context (NP_000519.2, residues 294-314): DYFLNVATAQ[Gly304Ser]RYYRTNHTVM

ClinVar aggregate classification (germline): Uncertain significance (1 of 4 stars; one submission).

Conditions:
Deficiency of alpha-mannosidase (MANSA). Also called: LYSOSOMAL ALPHA-D-MANNOSIDASE DEFICIENCY; Alpha-Mannosidosis; Mannosidosis, alpha-, types I and II. Identifiers: Orphanet 61, MedGen C0024748, MONDO:0009561, OMIM 248500.

Submission:

Labcorp Genetics (formerly Invitae), Labcorp
Classification: Uncertain significance for Deficiency of alpha-mannosidase. Last evaluated: 2021-09-01. Review status: criteria provided, single submitter. Criteria: Invitae Variant Classification Sherloc (09022015). Collection method: clinical testing. Allele origin: germline.
Comment: This sequence change replaces glycine with serine at codon 304 of the MAN2B1 protein (p.Gly304Ser). The glycine residue is weakly conserved and there is a small physicochemical difference between glycine and serine. This variant is not present in population databases (ExAC no frequency). This variant has not been reported in the literature in individuals affected with MAN2B1-related conditions. Algorithms developed to predict the effect of missense changes on protein structure and function output the following: SIFT: "Tolerated"; PolyPhen-2: "Benign"; Align-GVGD: "Class C0". The serine amino acid residue is found in multiple mammalian species, which suggests that this missense change does not adversely affect protein function. In summary, the available evidence is currently insufficient to determine the role of this variant in disease. Therefore, it has been classified as a Variant of Uncertain Significance.